The following is an entry in ClinVar:

NM_001080477.4(TENM3):c.7045T>C (p.Leu2349=)

Gene: TENM3 (teneurin transmembrane protein 3; plus strand). Cytogenetic location: 4q35.1.
Variant type: single nucleotide variant.
Coding change: c.7045T>C on transcript NM_001080477.4 (MANE Select); coding-DNA position 7045, T replaced by C.
Protein change: p.Leu2349=; no amino-acid change (leucine 2349 retained).
Molecular consequence: synonymous variant.
Genome position (GRCh38, 1-based): chr4:182,793,717, T>C. VCF-style: chr4-182793717-T-C. GRCh37 (hg19) VCF-style: chr4-183714870-T-C.
Identifiers: ClinVar variation 725312 (VCV000725312.7), dbSNP rs202097221, ClinGen allele CA3148876.

ClinVar aggregate classification (germline): Benign/Likely benign. Review status: criteria provided, multiple submitters, no conflicts (2 of 4 stars). 3 submissions from 3 submitters: Benign (1); Likely benign (1). 1 of the submissions does not count toward it. Last evaluated 2025-08-13.

Conditions:
TENM3-related disorder. Also called: TENM3-related condition.

Allele frequency attached by ClinVar (database versions not stated): 1000 Genomes Project 0.00060; 1000 Genomes Project 30x 0.00062; TOPMed 0.00158; gnomAD 0.00159 and 0.00172; ESP Exome Variant Server 0.00160; gnomAD exomes 0.00010 and 0.00027; ExAC 0.00031.
gnomAD v4.1: 406 of 1,614,004 alleles (0.025%); highest among the groups gnomAD compares: African/African-American, 0.5%; 2 homozygotes.

Submissions (3):

Labcorp Genetics (formerly Invitae), Labcorp
Classification: Benign. Last evaluated: 2025-08-13. Review status: criteria provided, single submitter. Criteria: Invitae Variant Classification Sherloc (09022015). Collection method: clinical testing. Allele origin: germline.

Blueprint Genetics
Classification: Likely benign. Last evaluated: 2024-05-27. Review status: criteria provided, single submitter. Criteria: ACMG Guidelines, 2015. Collection method: clinical testing. Allele origin: germline.

PreventionGenetics, part of Exact Sciences
Classification: Likely benign for TENM3-related condition. Last evaluated: 2019-03-15. Review status: no assertion criteria provided. Collection method: clinical testing. Allele origin: germline. Not counted in ClinVar's aggregate classification.
Comment: This variant is classified as likely benign based on ACMG/AMP sequence variant interpretation guidelines (Richards et al. 2015 PMID: 25741868, with internal and published modifications).